The following is an entry in ClinVar:

NM_003846.3(PEX11B):c.13G>A (p.Val5Ile)

Gene: PEX11B (peroxisomal biogenesis factor 11 beta; minus strand). Cytogenetic location: 1q21.1.
Variant type: single nucleotide variant.
Coding change: c.13G>A on transcript NM_003846.3 (MANE Select); coding-DNA position 13, G replaced by A.
Protein change: p.Val5Ile; replaces valine 5 with isoleucine.
Molecular consequence: missense variant. On other transcripts: non-coding transcript variant (2).
Genome position (GRCh38, 1-based): chr1:145,918,676, C>T on the plus strand (G>A on the coding strand, the complement: PEX11B is on the minus strand). VCF-style: chr1-145918676-C-T. GRCh37 (hg19) VCF-style: chr1-145516413-G-A.
Other names: short protein forms V5I.
Identifiers: ClinVar variation 959728 (VCV000959728.6), dbSNP rs782374819, ClinGen allele CA1055466.

ClinVar aggregate classification (germline): Uncertain significance. Review status: criteria provided, multiple submitters, no conflicts (2 of 4 stars). 2 submissions from 2 submitters: Uncertain significance (2). Last evaluated 2025-07-15.

Conditions:
Inborn genetic diseases. Identifiers: MedGen C0950123, MeSH D030342.

Allele frequency attached by ClinVar (database versions not stated): gnomAD 0.00003; TOPMed 0.00007; gnomAD exomes 0.00011; ExAC 0.00018.

Submissions (2):

Ambry Genetics
Classification: Uncertain significance for Inborn genetic diseases. Last evaluated: 2025-07-15. Review status: criteria provided, single submitter. Criteria: Ambry Variant Classification Scheme 2023. Collection method: clinical testing. Allele origin: germline.

Labcorp Genetics (formerly Invitae), Labcorp
Classification: Uncertain significance. Last evaluated: 2023-10-03. Review status: criteria provided, single submitter. Criteria: Invitae Variant Classification Sherloc (09022015). Collection method: clinical testing. Allele origin: germline.
Comment: This sequence change replaces valine, which is neutral and non-polar, with isoleucine, which is neutral and non-polar, at codon 5 of the PEX11B protein (p.Val5Ile). This variant is present in population databases (rs782374819, gnomAD 0.05%). This variant has not been reported in the literature in individuals affected with PEX11B-related conditions. ClinVar contains an entry for this variant (Variation ID: 959728). An algorithm developed to predict the effect of missense changes on protein structure and function (PolyPhen-2) suggests that this variant is likely to be disruptive. In summary, the available evidence is currently insufficient to determine the role of this variant in disease. Therefore, it has been classified as a Variant of Uncertain Significance.